The following is an entry in ClinVar:

ClinVar aggregate classification (germline): Pathogenic/Likely pathogenic. Review status: criteria provided, multiple submitters, no conflicts (2 of 4 stars). 6 submissions from 6 submitters: Pathogenic (5); Likely pathogenic (1). Last evaluated 2026-02-11.

Conditions:
Neurofibromatosis, type 1 (NF1). Also called: Peripheral type neurofibromatosis; NEUROFIBROMATOSIS, TYPE I, SOMATIC; VON RECKLINGHAUSEN DISEASE; Neurofibromatosis, type I. Identifiers: Orphanet 636, MedGen C0027831, MONDO:0018975, OMIM 162200. Disease mechanism: loss of function.

Submissions (6):

Myriad Genetics, Inc.
Classification: Pathogenic for Neurofibromatosis, type 1. Last evaluated: 2026-02-11. Review status: criteria provided, single submitter. Criteria: Myriad Autosomal Dominant, Autosomal Recessive and X-Linked Classification Criteria (2023). Collection method: clinical testing. Allele origin: unknown.
Comment: This variant is considered pathogenic. This variant creates a termination codon and is predicted to result in premature protein truncation.

Labcorp Genetics (formerly Invitae), Labcorp
Classification: Pathogenic for Neurofibromatosis, type 1. Last evaluated: 2025-09-12. Review status: criteria provided, single submitter. Criteria: Invitae Variant Classification Sherloc (09022015). Collection method: clinical testing. Allele origin: germline.
Comment: This sequence change creates a premature translational stop signal (p.Gln835*) in the NF1 gene. It is expected to result in an absent or disrupted protein product. Loss-of-function variants in NF1 are known to be pathogenic (PMID: 10712197, 23913538). This variant is not present in population databases (gnomAD no frequency). This premature translational stop signal has been observed in individual(s) with clinical features of NF1-related conditions (PMID: 21520333). Invitae Evidence Modeling of clinical and family history, age, sex, and reported ancestry of multiple individuals with this NF1 variant has been performed. This variant is expected to be pathogenic with a positive predictive value of at least 99%. This is a validated machine learning model that incorporates the clinical features of 1,785,918 individuals referred to our laboratory for NF1 testing. ClinVar contains an entry for this variant (Variation ID: 523904). For these reasons, this variant has been classified as Pathogenic.

GeneDx
Classification: Pathogenic. Last evaluated: 2025-07-10. Review status: criteria provided, single submitter. Criteria: GeneDx Variant Classification Process June 2021. Collection method: clinical testing. Allele origin: germline. Affected: yes.
Comment: Nonsense variant predicted to result in protein truncation or nonsense mediated decay in a gene for which loss of function is a known mechanism of disease; Not observed at significant frequency in large population cohorts (gnomAD); Has not been previously published as pathogenic or benign to our knowledge

Genome-Nilou Lab
Classification: Pathogenic for Neurofibromatosis, type 1. Last evaluated: 2022-03-15. Review status: criteria provided, single submitter. Criteria: ACMG Guidelines, 2015. Collection method: clinical testing. Allele origin: germline. Affected: no.

Quest Diagnostics Nichols Institute San Juan Capistrano
Classification: Likely pathogenic. Last evaluated: 2021-09-01. Review status: criteria provided, single submitter. Criteria: Quest Diagnostics criteria. Collection method: clinical testing. Allele origin: unknown.
Comment: This nonsense variant causes the premature termination of NF1 protein synthesis. This variant has not been reported in large, multi-ethnic general populations. To the best of our knowledge, the variant has not been reported in the published literature. Based on the available information, the variant is predicted to be likely pathogenic.

Clinical Molecular Genetics Laboratory, Johns Hopkins All Children's Hospital
Classification: Pathogenic for Neurofibromatosis, type 1. Last evaluated: 2018-11-16. Review status: criteria provided, single submitter. Criteria: ACMG Guidelines, 2015. Collection method: clinical testing. Allele origin: germline. Inheritance: Autosomal dominant inheritance. Affected: yes. Observed: 1 heterozygote.

Literature cited by the submitters: PubMed 10712197 (cited by Labcorp Genetics (formerly Invitae), Labcorp); PubMed 23913538 (cited by Labcorp Genetics (formerly Invitae), Labcorp); PubMed 21520333 (cited by Labcorp Genetics (formerly Invitae), Labcorp).

NM_001042492.3(NF1):c.2503C>T (p.Gln835Ter)

Gene: NF1 (neurofibromin 1; plus strand). Cytogenetic location: 17q11.2.
Variant type: single nucleotide variant.
Coding change: c.2503C>T on transcript NM_001042492.3 (MANE Select); coding-DNA position 2503, C replaced by T.
Protein change: p.Gln835Ter; replaces glutamine 835 with a stop codon.
Molecular consequence: nonsense.
Genome position (GRCh38, 1-based): chr17:31,229,118, C>T. VCF-style: chr17-31229118-C-T. GRCh37 (hg19) VCF-style: chr17-29556136-C-T.
Other names: c.2503C>T, p.Gln835Ter (NM_000267.4); short protein forms Q835*.
Identifiers: ClinVar variation 523904 (VCV000523904.15), dbSNP rs1555614207, ClinGen allele CA398984104.